The following is an entry in ClinVar:

ClinVar aggregate classification (germline): Uncertain significance (1 of 4 stars; one submission).

Submission:

Labcorp Genetics (formerly Invitae), Labcorp
Classification: Uncertain significance. Last evaluated: 2021-11-13. Review status: criteria provided, single submitter. Criteria: Invitae Variant Classification Sherloc (09022015). Collection method: clinical testing. Allele origin: germline.
Comment: This sequence change replaces valine, which is neutral and non-polar, with methionine, which is neutral and non-polar, at codon 169 of the C1QTNF5 protein (p.Val169Met). In summary, the available evidence is currently insufficient to determine the role of this variant in disease. Therefore, it has been classified as a Variant of Uncertain Significance. Algorithms developed to predict the effect of missense changes on protein structure and function output the following: SIFT: "Tolerated"; PolyPhen-2: "Benign"; Align-GVGD: "Class C0". The methionine amino acid residue is found in multiple mammalian species, which suggests that this missense change does not adversely affect protein function. This variant has not been reported in the literature in individuals affected with C1QTNF5-related conditions. This variant is not present in population databases (gnomAD no frequency).

NM_001278431.2(C1QTNF5):c.505G>A (p.Val169Met)

Genes: C1QTNF5 (C1q and TNF related 5; minus strand), MFRP (membrane frizzled-related protein; minus strand). Cytogenetic location: 11q23.3.
Variant type: single nucleotide variant.
Coding change: c.505G>A on transcript NM_001278431.2 (MANE Select); coding-DNA position 505, G replaced by A.
Protein change: p.Val169Met; replaces valine 169 with methionine.
Molecular consequence: missense variant. On other transcripts: 3 prime UTR variant (1).
Genome position (GRCh38, 1-based): chr11:119,339,558, C>T on the plus strand (G>A on the coding strand, the complement: C1QTNF5 is on the minus strand). VCF-style: chr11-119339558-C-T. GRCh37 (hg19) VCF-style: chr11-119210268-C-T.
Other names: c.505G>A, p.Val169Met (NM_015645.5); c.*1401G>A (NM_031433.4); short protein forms V169M.
Identifiers: ClinVar variation 1392978 (VCV001392978.6), dbSNP rs2135364063, ClinGen allele CA382968797.